The following is an entry in ClinVar:

ClinVar aggregate classification (germline): Uncertain significance (1 of 4 stars; one submission).

Conditions:
Inborn genetic diseases. Identifiers: MedGen C0950123, MeSH D030342.

Allele frequency attached by ClinVar (database versions not stated): gnomAD exomes below 0.00001; gnomAD 0.00003; TOPMed 0.00006.
gnomAD v4.1: 7 of 1,608,032 alleles (0.00044%); highest among the groups gnomAD compares: African/African-American, 0.0081%; no homozygotes.

Submission:

Ambry Genetics
Classification: Uncertain significance for Inborn genetic diseases. Last evaluated: 2020-03-20. Review status: criteria provided, single submitter. Criteria: Ambry Variant Classification Scheme 2023. Collection method: clinical testing. Allele origin: germline.
Comment: The c.970-4A>G intronic variant results from an A to G substitution 4 nucleotides upstream from coding exon 4 in the TBR1 gene. This nucleotide position is well conserved in available vertebrate species. Using two different splice site prediction tools, this alteration is predicted by BDGP to weaken the efficiency of the native splice acceptor site, but is not predicted to have a deleterious effect on this splice acceptor site by ESEfinder; however, direct evidence is unavailable. Since supporting evidence is limited at this time, the clinical significance of this alteration remains unclear.

NM_006593.4(TBR1):c.970-4A>G

Gene: TBR1 (T-box brain transcription factor 1; plus strand). Cytogenetic location: 2q24.2.
Variant type: single nucleotide variant.
Coding change: c.970-4A>G on transcript NM_006593.4 (MANE Select); 4 bases into the intron before coding-DNA position 970, A replaced by G.
Molecular consequence: intron variant.
Genome position (GRCh38, 1-based): chr2:161,418,888, A>G. VCF-style: chr2-161418888-A-G. GRCh37 (hg19) VCF-style: chr2-162275399-A-G.
Identifiers: ClinVar variation 1767924 (VCV001767924.2), dbSNP rs893785093, ClinGen allele CA59552335.